The following is an entry in ClinVar:

NM_000057.4(BLM):c.2445T>G (p.Asn815Lys)

Gene: BLM (BLM RecQ like helicase; plus strand). Cytogenetic location: 15q26.1.
Variant type: single nucleotide variant.
Coding change: c.2445T>G on transcript NM_000057.4 (MANE Select); coding-DNA position 2445, T replaced by G.
Protein change: p.Asn815Lys; replaces asparagine 815 with lysine.
Molecular consequence: missense variant.
Genome position (GRCh38, 1-based): chr15:90,769,476, T>G. VCF-style: chr15-90769476-T-G. GRCh37 (hg19) VCF-style: chr15-91312706-T-G.
Other names: c.2445T>G, p.Asn815Lys (NM_001287246.2, NM_001287247.2); c.1320T>G, p.Asn440Lys (NM_001287248.2); short protein forms N440K, N815K.
Identifiers: ClinVar variation 1004232 (VCV001004232.10), dbSNP rs1896237458, ClinGen allele CA393845339.

ClinVar aggregate classification (germline): Uncertain significance (1 of 4 stars; one submission).

Conditions:
Bloom syndrome (BLM). Also called: Bloom-Torre-Machacek syndrome. Identifiers: Orphanet 125, MedGen C0005859, MONDO:0008876, OMIM 210900.

Submission:

Labcorp Genetics (formerly Invitae), Labcorp
Classification: Uncertain significance for Bloom syndrome. Last evaluated: 2020-02-24. Review status: criteria provided, single submitter. Criteria: Invitae Variant Classification Sherloc (09022015). Collection method: clinical testing. Allele origin: germline.
Comment: In summary, the available evidence is currently insufficient to determine the role of this variant in disease. Therefore, it has been classified as a Variant of Uncertain Significance. Algorithms developed to predict the effect of missense changes on protein structure and function are either unavailable or do not agree on the potential impact of this missense change (SIFT: "Tolerated"; PolyPhen-2: "Probably Damaging"; Align-GVGD: "Class C0"). This variant has not been reported in the literature in individuals with BLM-related conditions. This variant is not present in population databases (ExAC no frequency). This sequence change replaces asparagine with lysine at codon 815 of the BLM protein (p.Asn815Lys). The asparagine residue is moderately conserved and there is a moderate physicochemical difference between asparagine and lysine.